The following is an entry in ClinVar:

ClinVar aggregate classification (germline): Uncertain significance. Review status: criteria provided, multiple submitters, no conflicts (2 of 4 stars). 2 submissions from 2 submitters: Uncertain significance (2). Last evaluated 2024-03-07.

Conditions:
Cranioectodermal dysplasia 1 (CED1). Also called: LEVIN SYNDROME I. Identifiers: Orphanet 1515, MedGen C0432235, MONDO:0021093, OMIM 218330.

Allele frequency attached by ClinVar (database versions not stated): ExAC 0.00005; ESP Exome Variant Server 0.00008.
gnomAD v4.1: 161 of 1,533,112 alleles (0.011%); highest among the groups gnomAD compares: Non-Finnish European, 0.014%; no homozygotes.

Submissions (2):

Fulgent Genetics
Classification: Uncertain significance for Cranioectodermal dysplasia 1. Last evaluated: 2024-03-07. Review status: criteria provided, single submitter. Criteria: ACMG Guidelines, 2015. Collection method: clinical testing. Allele origin: germline.

Labcorp Genetics (formerly Invitae), Labcorp
Classification: Uncertain significance for Cranioectodermal dysplasia 1. Last evaluated: 2022-06-22. Review status: criteria provided, single submitter. Criteria: Invitae Variant Classification Sherloc (09022015). Collection method: clinical testing. Allele origin: germline.
Comment: This sequence change replaces arginine, which is basic and polar, with cysteine, which is neutral and slightly polar, at codon 1110 of the IFT122 protein (p.Arg1110Cys). This variant is present in population databases (rs368690956, gnomAD 0.01%). This variant has not been reported in the literature in individuals affected with IFT122-related conditions. Algorithms developed to predict the effect of missense changes on protein structure and function (SIFT, PolyPhen-2, Align-GVGD) all suggest that this variant is likely to be disruptive. In summary, the available evidence is currently insufficient to determine the role of this variant in disease. Therefore, it has been classified as a Variant of Uncertain Significance.

NM_052989.3(IFT122):c.3175C>T (p.Arg1059Cys)

Gene: IFT122 (intraflagellar transport 122; plus strand). Cytogenetic location: 3q22.1.
Variant type: single nucleotide variant.
Coding change: c.3175C>T on transcript NM_052989.3 (MANE Select); coding-DNA position 3175, C replaced by T.
Protein change: p.Arg1059Cys; replaces arginine 1059 with cysteine.
Molecular consequence: missense variant.
Genome position (GRCh38, 1-based): chr3:129,515,509, C>T. VCF-style: chr3-129515509-C-T. GRCh37 (hg19) VCF-style: chr3-129234352-C-T.
Other names: c.3154C>T, p.Arg1052Cys (NM_001280541.2); c.2725C>T, p.Arg909Cys (NM_001280545.2); c.2548C>T, p.Arg850Cys (NM_001280546.2); c.3178C>T, p.Arg1060Cys (NM_001410808.1); c.3121C>T, p.Arg1041Cys (NM_001410809.1); c.3001C>T, p.Arg1001Cys (NM_001410810.1); c.2947C>T, p.Arg983Cys (NM_001410811.1); c.2944C>T, p.Arg982Cys (NM_001410813.1); and 5 more; short protein forms R1000C, R1110C, R948C, R1001C, R1041C, R1060C, R909C, R982C.
Identifiers: ClinVar variation 2041576 (VCV002041576.2), dbSNP rs368690956, ClinGen allele CA2606827.
Genomic context (GRCh38, chr3:129,515,509, plus strand): 5'-CCTGCCCCGGCCCCTCGGGAGTCCGTGGCTGTTTTGTAGGAGTTGGTGCCCTTGTGCTAC[C>T]GCTGCTCCACCAACAACCCGCTGCTCAACAACCTGGGCAACGTCTGCATCAACTGCCGCC-3'
Protein context (NP_443715.1, residues 1049-1069): DSEELVPLCY[Arg1059Cys]CSTNNPLLNN